The following is an entry in ClinVar:

ClinVar aggregate classification (germline): Conflicting classifications of pathogenicity. Review status: criteria provided, conflicting classifications (1 of 4 stars). 2 submissions from 2 submitters: Uncertain significance (1); Likely benign (1). Last evaluated 2024-02-06.

Conditions:
Primary ciliary dyskinesia. Also called: Ciliary dyskinesia. Identifiers: Orphanet 244, MedGen C0008780, MONDO:0016575, HP:0012265.

Submissions (2):

Labcorp Genetics (formerly Invitae), Labcorp
Classification: Likely benign for Primary ciliary dyskinesia. Last evaluated: 2024-02-06. Review status: criteria provided, single submitter. Criteria: Invitae Variant Classification Sherloc (09022015). Collection method: clinical testing. Allele origin: germline.

CeGaT Center for Human Genetics Tuebingen
Classification: Uncertain significance. Last evaluated: 2023-09-01. Review status: criteria provided, single submitter. Criteria: CeGaT Center For Human Genetics Tuebingen Variant Classification Criteria Version 2. Collection method: clinical testing. Allele origin: germline. Affected: yes. Observed: 1 variant allele.
Comment: DNAH5: PM2, BP4

NM_001369.3(DNAH5):c.2047C>A (p.Arg683=)

Gene: DNAH5 (dynein axonemal heavy chain 5; minus strand). Cytogenetic location: 5p15.2.
Variant type: single nucleotide variant.
Coding change: c.2047C>A on transcript NM_001369.3 (MANE Select); coding-DNA position 2047, C replaced by A.
Protein change: p.Arg683=; no amino-acid change (arginine 683 retained).
Molecular consequence: synonymous variant.
Genome position (GRCh38, 1-based): chr5:13,901,257, G>T on the plus strand (C>A on the coding strand, the complement: DNAH5 is on the minus strand). VCF-style: chr5-13901257-G-T. GRCh37 (hg19) VCF-style: chr5-13901366-G-T.
Identifiers: ClinVar variation 1156896 (VCV001156896.33), dbSNP rs182512638, ClinGen allele CA443536650.